The following is an entry in ClinVar:

NM_007294.4(BRCA1):c.5087T>G (p.Val1696Gly)

Gene: BRCA1 (BRCA1 DNA repair associated; minus strand). Cytogenetic location: 17q21.31.
Variant type: single nucleotide variant.
Coding change: c.5087T>G on transcript NM_007294.4 (MANE Select); coding-DNA position 5087, T replaced by G.
Protein change: p.Val1696Gly; replaces valine 1696 with glycine.
Molecular consequence: missense variant. On other transcripts: non-coding transcript variant (1).
Genome position (GRCh38, 1-based): chr17:43,063,939, A>C on the plus strand (T>G on the coding strand, the complement: BRCA1 is on the minus strand). VCF-style: chr17-43063939-A-C. GRCh37 (hg19) VCF-style: chr17-41215956-A-C.
Other names: c.4874T>G, p.Val1625Gly (NM_001407571.1, NM_001407894.1, NM_001407895.1 and 12 more transcripts); c.5153T>G, p.Val1718Gly (NM_001407581.1, NM_001407582.1); c.5150T>G, p.Val1717Gly (NM_001407583.1, NM_001407585.1, NM_001407587.1 and 1 more transcripts); c.5147T>G, p.Val1716Gly (NM_001407590.1, NM_001407591.1); c.5087T>G, p.Val1696Gly (NM_001407593.1, NM_001407594.1, NM_001407596.1 and 7 more transcripts); c.5084T>G, p.Val1695Gly (NM_001407616.1, NM_001407617.1, NM_001407618.1 and 17 more transcripts); c.5081T>G, p.Val1694Gly (NM_001407635.1, NM_001407636.1, NM_001407637.1 and 14 more transcripts); c.5078T>G, p.Val1693Gly (NM_001407644.1, NM_001407645.1); and 71 more; short protein forms V592G, V1649G, V1717G, V1696G, V1527G, V1568G, V1569G, V1606G.
Identifiers: ClinVar variation 864939 (VCV000864939.3), dbSNP rs397509226, ClinGen allele CA10591348.
Genomic context (GRCh38, chr17:43,063,939, plus strand): 5'-TAGCTAACTACCCATTTTCCTCCCGCAATTCCTAGAAAATATTTCAGTGTCCGTTCACAC[A>C]CAAACTCAGCATCTGCAGAATGAAAAACACTCAAAGGATTAGAAGTTGAAAACAAAATCA-3'
Protein context (NP_009225.1, residues 1686-1706): HVVMKTDAEF[Val1696Gly]CERTLKYFLG

Conditions:
Breast-ovarian cancer, familial, susceptibility to, 1 (BROVCA1). Also called: BRCA1 Hereditary Breast and Ovarian Cancer; OVARIAN CANCER, SUSCEPTIBILITY TO. Identifiers: Orphanet 145, MedGen C2676676, MONDO:0011450, OMIM 604370. Disease mechanism: loss of function.

Submission:

Brotman Baty Institute, University of Washington
No classification provided (evidence only). Condition: Breast-ovarian cancer, familial 1. Review status: no classification provided. Collection method: in vitro. Allele origin: not applicable. Functional consequence: functionally_abnormal.
ClinVar note: "not provided" was previously submitted as the classification for the variant. However, the classification appeared to be based only on an observation of functional data so it was converted to no classification on 2025-07-30.